The following is an entry in ClinVar:

NM_002905.5(RDH5):c.394G>C (p.Val132Leu)

Genes: RDH5 (retinol dehydrogenase 5; plus strand), BLOC1S1-RDH5 (BLOC1S1-RDH5 readthrough; plus strand). Cytogenetic location: 12q13.2.
Variant type: single nucleotide variant.
Coding change: c.394G>C on transcript NM_002905.5 (MANE Select); coding-DNA position 394, G replaced by C.
Protein change: p.Val132Leu; replaces valine 132 with leucine.
Molecular consequence: missense variant. On other transcripts: non-coding transcript variant (1).
Genome position (GRCh38, 1-based): chr12:55,721,772, G>C. VCF-style: chr12-55721772-G-C. GRCh37 (hg19) VCF-style: chr12-56115556-G-C.
Other names: c.394G>C, p.Val132Leu (NM_001199771.3); short protein forms V132L.
Identifiers: ClinVar variation 939522 (VCV000939522.9), dbSNP rs62638187, ClinGen allele CA6616835.

ClinVar aggregate classification (germline): Uncertain significance (1 of 4 stars; one submission).

Submission:

Labcorp Genetics (formerly Invitae), Labcorp
Classification: Uncertain significance. Last evaluated: 2023-07-03. Review status: criteria provided, single submitter. Criteria: Invitae Variant Classification Sherloc (09022015). Collection method: clinical testing. Allele origin: germline.
Comment: In summary, the available evidence is currently insufficient to determine the role of this variant in disease. Therefore, it has been classified as a Variant of Uncertain Significance. Advanced modeling of protein sequence and biophysical properties (such as structural, functional, and spatial information, amino acid conservation, physicochemical variation, residue mobility, and thermodynamic stability) performed at Invitae indicates that this missense variant is not expected to disrupt RDH5 protein function. ClinVar contains an entry for this variant (Variation ID: 939522). This variant has not been reported in the literature in individuals affected with RDH5-related conditions. This variant is present in population databases (rs62638187, gnomAD 0.0009%). This sequence change replaces valine, which is neutral and non-polar, with leucine, which is neutral and non-polar, at codon 132 of the RDH5 protein (p.Val132Leu).